The following is an entry in ClinVar:

ClinVar aggregate classification (germline): Conflicting classifications of pathogenicity. Review status: criteria provided, conflicting classifications (1 of 4 stars). 4 submissions from 4 submitters: Uncertain significance (3); Likely benign (1). Last evaluated 2024-07-02.

Conditions:
Hereditary cancer-predisposing syndrome. Also called: Neoplastic Syndromes, Hereditary; Tumor predisposition; Hereditary Cancer Syndrome; Hereditary neoplastic syndrome. Identifiers: Orphanet 140162, MedGen C0027672, MeSH D009386, MONDO:0015356.
Hereditary breast ovarian cancer syndrome. Also called: BRCA1- and BRCA2-Associated Hereditary Breast and Ovarian Cancer; Hereditary breast and ovarian cancer syndrome; Hereditary breast and ovarian cancer; Hereditary breast and ovarian cancer syndrome (HBOC); Breast and ovarian cancer; Hereditary breast and/or ovarian cancer syndrome. Identifiers: Orphanet 145, MedGen C0677776, MeSH D061325, MONDO:0003582. Disease mechanism: loss of function.

Submissions (4):

Ambry Genetics
Classification: Uncertain significance for Hereditary cancer-predisposing syndrome. Last evaluated: 2024-07-02. Review status: criteria provided, single submitter. Criteria: Ambry Variant Classification Scheme 2023. Collection method: clinical testing. Allele origin: germline.
Comment: The p.T2241R variant (also known as c.6722C>G), located in coding exon 10 of the BRCA2 gene, results from a C to G substitution at nucleotide position 6722. The threonine at codon 2241 is replaced by arginine, an amino acid with similar properties. This amino acid position is conserved. In addition, the in silico prediction for this alteration is inconclusive. Based on the available evidence, the clinical significance of this variant remains unclear.

Color Diagnostics, LLC DBA Color Health
Classification: Uncertain significance for Hereditary cancer-predisposing syndrome. Last evaluated: 2024-03-06. Review status: criteria provided, single submitter. Criteria: ACMG Guidelines, 2015. Collection method: clinical testing. Allele origin: germline.
Comment: This missense variant replaces threonine with arginine at codon 2241 of the BRCA2 protein. Computational prediction tool is inconclusive regarding the impact of this variant on protein structure and function (internally defined REVEL score threshold 0.5 < inconclusive < 0.7, PMID: 27666373). Splice site prediction tools suggest that this variant may not impact RNA splicing. To our knowledge, functional studies have not been performed for this variant. This variant has not been reported in individuals affected with hereditary cancer in the literature. This variant has not been identified in the general population by the Genome Aggregation Database (gnomAD). The available evidence is insufficient to determine the role of this variant in disease conclusively. Therefore, this variant is classified as a Variant of Uncertain Significance.

University of Washington Department of Laboratory Medicine, University of Washington
Classification: Likely benign for Hereditary cancer-predisposing syndrome. Last evaluated: 2023-03-23. Review status: criteria provided, single submitter. Criteria: Dines et al. (Genet Med. 2020). Collection method: curation. Allele origin: germline.
Comment: Missense variant in a coldspot region where missense variants are very unlikely to be pathogenic (PMID:31911673).

BRCA2 exon 11 coldspot. Reclassification based on statistical prior probability.

Labcorp Genetics (formerly Invitae), Labcorp
Classification: Uncertain significance for Hereditary breast ovarian cancer syndrome. Last evaluated: 2022-03-13. Review status: criteria provided, single submitter. Criteria: Invitae Variant Classification Sherloc (09022015). Collection method: clinical testing. Allele origin: germline.
Comment: This variant is not present in population databases (gnomAD no frequency). In summary, the available evidence is currently insufficient to determine the role of this variant in disease. Therefore, it has been classified as a Variant of Uncertain Significance. Advanced modeling of protein sequence and biophysical properties (such as structural, functional, and spatial information, amino acid conservation, physicochemical variation, residue mobility, and thermodynamic stability) performed at Invitae indicates that this missense variant is not expected to disrupt BRCA2 protein function. ClinVar contains an entry for this variant (Variation ID: 922410). This variant has not been reported in the literature in individuals affected with BRCA2-related conditions. This sequence change replaces threonine, which is neutral and polar, with arginine, which is basic and polar, at codon 2241 of the BRCA2 protein (p.Thr2241Arg).

NM_000059.4(BRCA2):c.6722C>G (p.Thr2241Arg)

Gene: BRCA2 (BRCA2 DNA repair associated; plus strand). Cytogenetic location: 13q13.1.
Variant type: single nucleotide variant.
Coding change: c.6722C>G on transcript NM_000059.4 (MANE Select); coding-DNA position 6722, C replaced by G.
Protein change: p.Thr2241Arg; replaces threonine 2241 with arginine.
Molecular consequence: missense variant.
Genome position (GRCh38, 1-based): chr13:32,341,077, C>G. VCF-style: chr13-32341077-C-G. GRCh37 (hg19) VCF-style: chr13-32915214-C-G.
Other names: short protein forms T2241R.
Identifiers: ClinVar variation 922410 (VCV000922410.11), dbSNP rs276174877, ClinGen allele CA387791040.
Genomic context (GRCh38, chr13:32,341,077, plus strand): 5'-ACTACTTTGAAACAGAAGCAGTAGAAATTGCTAAAGCTTTTATGGAAGATGATGAACTGA[C>G]AGATTCTAAACTGCCAAGTCATGCCACACATTCTCTTTTTACATGTCCCGAAAATGAGGA-3'
Protein context (NP_000050.3, residues 2231-2251): AKAFMEDDEL[Thr2241Arg]DSKLPSHATH